The following is an entry in ClinVar:

ClinVar aggregate classification (germline): Uncertain significance (1 of 4 stars; one submission).

Submission:

Labcorp Genetics (formerly Invitae), Labcorp
Classification: Uncertain significance. Last evaluated: 2024-10-15. Review status: criteria provided, single submitter. Criteria: Invitae Variant Classification Sherloc (09022015). Collection method: clinical testing. Allele origin: germline.
Comment: This sequence change replaces alanine, which is neutral and non-polar, with glycine, which is neutral and non-polar, at codon 33 of the TMEM126B protein (p.Ala33Gly). This variant is not present in population databases (gnomAD no frequency). This variant has not been reported in the literature in individuals affected with TMEM126B-related conditions. ClinVar contains an entry for this variant (Variation ID: 1717366). An algorithm developed to predict the effect of missense changes on protein structure and function (PolyPhen-2) suggests that this variant is likely to be tolerated. In summary, the available evidence is currently insufficient to determine the role of this variant in disease. Therefore, it has been classified as a Variant of Uncertain Significance.

NM_018480.7(TMEM126B):c.98C>G (p.Ala33Gly)

Gene: TMEM126B (transmembrane protein 126B; plus strand). Cytogenetic location: 11q14.1.
Variant type: single nucleotide variant.
Coding change: c.98C>G on transcript NM_018480.7 (MANE Select); coding-DNA position 98, C replaced by G.
Protein change: p.Ala33Gly; replaces alanine 33 with glycine.
Molecular consequence: missense variant. On other transcripts: non-coding transcript variant (2), intron variant (2).
Genome position (GRCh38, 1-based): chr11:85,631,703, C>G. VCF-style: chr11-85631703-C-G. GRCh37 (hg19) VCF-style: chr11-85342747-C-G.
Other names: c.66-2383C>G (NM_001256547.2); c.82-2383C>G (NM_001350393.1); c.38C>G, p.Ala13Gly (NM_001193537.3, NM_001350395.2); c.8C>G, p.Ala3Gly (NM_001193538.3, NM_001256546.2, NM_001350396.2); c.98C>G, p.Ala33Gly (NM_001350394.2); short protein forms A13G, A33G, A3G.
Identifiers: ClinVar variation 1717366 (VCV001717366.6), dbSNP rs769843609, ClinGen allele CA381988933.